The following is an entry in ClinVar:

NM_001039141.3(TRIOBP):c.5266C>T (p.Arg1756Trp)

Gene: TRIOBP (TRIO and F-actin binding protein; plus strand). Cytogenetic location: 22q13.1.
Variant type: single nucleotide variant.
Coding change: c.5266C>T on transcript NM_001039141.3 (MANE Select); coding-DNA position 5266, C replaced by T.
Protein change: p.Arg1756Trp; replaces arginine 1756 with tryptophan.
Molecular consequence: missense variant.
Genome position (GRCh38, 1-based): chr22:37,740,976, C>T. VCF-style: chr22-37740976-C-T. GRCh37 (hg19) VCF-style: chr22-38136983-C-T.
Other names: short protein forms R1756W.
Identifiers: ClinVar variation 229358 (VCV000229358.10), dbSNP rs774610362, ClinGen allele CA10224557.

ClinVar aggregate classification (germline): Uncertain significance. Review status: criteria provided, multiple submitters, no conflicts (2 of 4 stars). 3 submissions from 3 submitters: Uncertain significance (3). Last evaluated 2026-02-05.

Allele frequency attached by ClinVar (database versions not stated): gnomAD 0.00007 and 0.00008; gnomAD exomes 0.00007; TOPMed 0.00009; ExAC 0.00014.
gnomAD v4.1: 59 of 1,560,616 alleles (0.0038%); highest among the groups gnomAD compares: East Asian, 0.09%; no homozygotes.

Submissions (3):

GeneDx
Classification: Uncertain significance. Last evaluated: 2026-02-05. Review status: criteria provided, single submitter. Criteria: GeneDx Variant Classification Process June 2021. Collection method: clinical testing. Allele origin: germline. Affected: yes.
Comment: In silico analysis supports that this missense variant has a deleterious effect on protein structure/function; Has not been previously published as pathogenic or benign to our knowledge

Blueprint Genetics
Classification: Uncertain significance. Last evaluated: 2024-08-09. Review status: criteria provided, single submitter. Criteria: ACMG Guidelines, 2015. Collection method: clinical testing. Allele origin: germline.

Laboratory for Molecular Medicine, Mass General Brigham Personalized Medicine
Classification: Uncertain significance. Last evaluated: 2015-01-21. Review status: criteria provided, single submitter. Criteria: LMM Criteria. Collection method: clinical testing. Allele origin: germline. Observed: 1 variant allele.
Comment: Variant classified as Uncertain Significance - Favor Benign. The p.Arg1756Trp va riant in TRIOBP has not been previously reported in individuals with hearing los s, but was identified in 0.3% (3/1166) of East Asian chromosomes by the Exome Ag gregation Consortium (ExAC). Computational predi ction tools and conservation analysis do not provide strong support for or again st an impact to the protein. In summary, while the clinical significance of the p.Arg1756Trp variant is uncertain, its frequency in the East Asian population su ggests that it is more likely to be benign.